The following is an entry in ClinVar:

ClinVar aggregate classification (germline): Conflicting classifications of pathogenicity. Review status: criteria provided, conflicting classifications (1 of 4 stars). 2 submissions from 2 submitters: Uncertain significance (1); Likely benign (1). Last evaluated 2026-06-19.

Conditions:
Hereditary leiomyomatosis and renal cell cancer. Also called: LEIOMYOMA, MULTIPLE CUTANEOUS; Reed syndrome; Multiple cutaneous and uterine leiomyomatosis; Cutaneous leiomyomata with uterine leiomyomata; Leiomyoma, hereditary multiple, of skin; Multiple cutaneous and uterine leiomyomata. Identifiers: Orphanet 523, MedGen C1708350, MONDO:0007888, OMIM 150800, HP:0007437. Disease mechanism: loss of function.

Allele frequency attached by ClinVar (database versions not stated): ExAC 0.00081.

Submissions (2):

Hema, HEMA – Genetic and Molecular Diagnostic Laboratory
Classification: Uncertain significance for Hereditary leiomyomatosis and renal cell cancer. Last evaluated: 2026-06-19. Review status: criteria provided, single submitter. Criteria: HEMA Variant Classification Assertion Criteria. Collection method: clinical testing. Allele origin: germline.
Comment: The c.1391-13A>T variant is a transversion from thymine to adenine at position -13 of intron 9 of the FH gene. PM2_Supporting: Absent in the gnomAD v4.1.1 database. BP4: According to the splicing predictor SpliceAI, the variant does not affect splicing (Δ score = 0.01 ≤ 0.1).

Labcorp Genetics (formerly Invitae), Labcorp
Classification: Likely benign. Last evaluated: 2023-04-27. Review status: criteria provided, single submitter. Criteria: Invitae Variant Classification Sherloc (09022015). Collection method: clinical testing. Allele origin: germline.

NM_000143.4(FH):c.1391-13A>T

Gene: FH (fumarate hydratase; minus strand). Cytogenetic location: 1q43.
Variant type: single nucleotide variant.
Coding change: c.1391-13A>T on transcript NM_000143.4 (MANE Select); 13 bases into the intron before coding-DNA position 1391, A replaced by T.
Molecular consequence: intron variant.
Genome position (GRCh38, 1-based): chr1:241,497,983, T>A on the plus strand (A>T on the coding strand, the complement: FH is on the minus strand). VCF-style: chr1-241497983-T-A. GRCh37 (hg19) VCF-style: chr1-241661283-T-A.
Identifiers: ClinVar variation 2859766 (VCV002859766.4), dbSNP rs202207947, ClinGen allele CA1478449.